The following is an entry in ClinVar:

NM_005120.3(MED12):c.2635C>T (p.Leu879Phe)

Gene: MED12 (mediator complex subunit 12; plus strand). Cytogenetic location: Xq13.1.
Variant type: single nucleotide variant.
Coding change: c.2635C>T on transcript NM_005120.3 (MANE Select); coding-DNA position 2635, C replaced by T.
Protein change: p.Leu879Phe; replaces leucine 879 with phenylalanine.
Molecular consequence: missense variant.
Genome position (GRCh38, 1-based): chrX:71,126,434, C>T. VCF-style: chrX-71126434-C-T. GRCh37 (hg19) VCF-style: chrX-70346284-C-T.
Other names: short protein forms L879F.
Identifiers: ClinVar variation 1305101 (VCV001305101.3), dbSNP rs2147796576, ClinGen allele CA413515891.

ClinVar aggregate classification (germline): Uncertain significance (1 of 4 stars; one submission).

Submission:

GeneDx
Classification: Uncertain significance. Last evaluated: 2023-04-17. Review status: criteria provided, single submitter. Criteria: GeneDx Variant Classification Process June 2021. Collection method: clinical testing. Allele origin: germline. Affected: yes.
Comment: Not observed in large population cohorts (gnomAD); In silico analysis supports that this missense variant has a deleterious effect on protein structure/function; Has not been previously published as pathogenic or benign to our knowledge